The following is an entry in ClinVar:

ClinVar aggregate classification (germline): Benign/Likely benign. Review status: criteria provided, multiple submitters, no conflicts (2 of 4 stars). 8 submissions from 8 submitters: Benign (7); Likely benign (1). Last evaluated 2026-02-04.

Conditions:
Severe combined immunodeficiency due to DNA-PKcs deficiency. Also called: IMMUNODEFICIENCY 26 WITH NEUROLOGIC ABNORMALITIES; Immunodeficiency 26 with or without neurologic abnormalities. Identifiers: Orphanet 317425, MedGen C4014833, MONDO:0014423, OMIM 615966.

Allele frequency attached by ClinVar (database versions not stated): gnomAD exomes 0.95318 and 0.96072; ExAC 0.95985; ESP Exome Variant Server 0.96227; gnomAD 0.96352 and 0.96455; TOPMed 0.96498; 1000 Genomes Project 30x 0.98267; 1000 Genomes Project 0.98363.
gnomAD v4.1: 1,534,224 of 1,607,496 alleles (95%); highest among the groups gnomAD compares: East Asian, 100%; 732,409 homozygotes.

Submissions (8):

Labcorp Genetics (formerly Invitae), Labcorp
Classification: Benign for Severe combined immunodeficiency due to DNA-PKcs deficiency. Last evaluated: 2026-02-04. Review status: criteria provided, single submitter. Criteria: Invitae Variant Classification Sherloc (09022015). Collection method: clinical testing. Allele origin: germline.

Women's Health and Genetics/Laboratory Corporation of America, LabCorp
Classification: Benign. Last evaluated: 2026-01-21. Review status: criteria provided, single submitter. Criteria: LabCorp Variant Classification Summary - May 2015. Collection method: clinical testing. Allele origin: germline.

Blueprint Genetics
Classification: Likely benign. Last evaluated: 2024-11-27. Review status: criteria provided, single submitter. Criteria: ACMG Guidelines, 2015. Collection method: clinical testing. Allele origin: germline.

Unidad de Genómica Garrahan, Hospital de Pediatría Garrahan
Classification: Benign. Last evaluated: 2024-01-24. Review status: criteria provided, single submitter. Criteria: ACMG Guidelines, 2015. Collection method: clinical testing. Allele origin: germline. Affected: no. Observed: 95 variant alleles.
Comment: This variant is classified as Benign based on local population frequency. This variant was detected in 100% of patients studied by a panel of primary immunodeficiencies. Number of patients: 95. Only high quality variants are reported.

Genome-Nilou Lab
Classification: Benign for Severe combined immunodeficiency due to DNA-PKcs deficiency. Last evaluated: 2021-10-25. Review status: criteria provided, single submitter. Criteria: ACMG Guidelines, 2015. Collection method: clinical testing. Allele origin: germline. Affected: no.

Mayo Clinic Laboratories, Mayo Clinic
Classification: Benign. Last evaluated: 2018-03-23. Review status: criteria provided, single submitter. Criteria: ACMG Guidelines, 2015. Collection method: clinical testing. Allele origin: germline. Observed: 108 variant alleles.

GeneDx
Classification: Benign. Last evaluated: 2015-10-20. Review status: criteria provided, single submitter. Criteria: GeneDx Variant Classification (06012015). Collection method: clinical testing. Allele origin: germline. Affected: yes.
Comment: This variant is considered likely benign or benign based on one or more of the following criteria: it is a conservative change, it occurs at a poorly conserved position in the protein, it is predicted to be benign by multiple in silico algorithms, and/or has population frequency not consistent with disease.

Breakthrough Genomics
Classification: Benign. Review status: criteria provided, single submitter. Criteria: ACMG Guidelines, 2015. Collection method: not provided. Allele origin: germline. Inheritance: Autosomal recessive inheritance. Affected: yes.

NM_006904.7(PRKDC):c.1623+6A>G

Gene: PRKDC (protein kinase, DNA-activated, catalytic subunit; minus strand). Cytogenetic location: 8q11.21.
Variant type: single nucleotide variant.
Coding change: c.1623+6A>G on transcript NM_006904.7 (MANE Select); 6 bases into the intron after coding-DNA position 1623, A replaced by G.
Molecular consequence: intron variant.
Genome position (GRCh38, 1-based): chr8:47,933,959, T>C on the plus strand (A>G on the coding strand, the complement: PRKDC is on the minus strand). VCF-style: chr8-47933959-T-C. GRCh37 (hg19) VCF-style: chr8-48846519-T-C.
Other names: p.?; c.1623+6A>G (NM_001081640.2).
Identifiers: ClinVar variation 379395 (VCV000379395.19), dbSNP rs1231202, ClinGen allele CA4741684.